The following is an entry in ClinVar:

ClinVar aggregate classification (germline): Uncertain significance (1 of 4 stars; one submission).

Submission:

Labcorp Genetics (formerly Invitae), Labcorp
Classification: Uncertain significance. Last evaluated: 2021-10-06. Review status: criteria provided, single submitter. Criteria: Invitae Variant Classification Sherloc (09022015). Collection method: clinical testing. Allele origin: germline.
Comment: In summary, the available evidence is currently insufficient to determine the role of this variant in disease. Therefore, it has been classified as a Variant of Uncertain Significance. Experimental studies and prediction algorithms are not available or were not evaluated, and the functional significance of this variant is currently unknown. A similar copy number variant has been observed in individual(s) with retinitis pigmentosa (Invitae). This variant results in the deletion of part of exon 72 of the USH2A gene. While this deletion is not anticipated to lead to nonsense mediated decay, it is expected to alter mRNA translation or result in a truncated protein product.

NC_000001.10:g.(?_215798669)_(215799151_?)del

Gene: USH2A (usherin; minus strand). Cytogenetic location: 1q41.
Variant type: Deletion.
Identifiers: ClinVar variation 1475631 (VCV001475631.4).